The following is an entry in ClinVar:

NM_006218.4(PIK3CA):c.673A>G (p.Ile225Val)

Gene: PIK3CA (phosphatidylinositol-4,5-bisphosphate 3-kinase catalytic subunit alpha; plus strand). Cytogenetic location: 3q26.32.
Variant type: single nucleotide variant.
Coding change: c.673A>G on transcript NM_006218.4 (MANE Select); coding-DNA position 673, A replaced by G.
Protein change: p.Ile225Val; replaces isoleucine 225 with valine.
Molecular consequence: missense variant.
Genome position (GRCh38, 1-based): chr3:179,201,400, A>G. VCF-style: chr3-179201400-A-G. GRCh37 (hg19) VCF-style: chr3-178919188-A-G.
Other names: short protein forms I225V.
Identifiers: ClinVar variation 3225374 (VCV003225374.1), dbSNP rs2108389696, ClinGen allele CA355276958.

ClinVar aggregate classification (germline): Uncertain significance (1 of 4 stars; one submission).

Conditions:
Inborn genetic diseases. Identifiers: MedGen C0950123, MeSH D030342.

Submission:

Ambry Genetics
Classification: Uncertain significance for Inborn genetic diseases. Last evaluated: 2023-12-14. Review status: criteria provided, single submitter. Criteria: Ambry Variant Classification Scheme 2023. Collection method: clinical testing. Allele origin: germline.
Comment: The p.I225V variant (also known as c.673A>G), located in coding exon 3 of the PIK3CA gene, results from an A to G substitution at nucleotide position 673. The isoleucine at codon 225 is replaced by valine, an amino acid with highly similar properties. This amino acid position is conserved. In addition, this alteration is predicted to be tolerated by in silico analysis. Since supporting evidence is limited at this time, the clinical significance of this alteration remains unclear.